The following is an entry in ClinVar:

NM_004370.6(COL12A1):c.176T>C (p.Val59Ala)

Gene: COL12A1 (collagen type XII alpha 1 chain; minus strand). Cytogenetic location: 6q13.
Variant type: single nucleotide variant.
Coding change: c.176T>C on transcript NM_004370.6 (MANE Select); coding-DNA position 176, T replaced by C.
Protein change: p.Val59Ala; replaces valine 59 with alanine.
Molecular consequence: missense variant. On other transcripts: intron variant (1).
Genome position (GRCh38, 1-based): chr6:75,194,845, A>G on the plus strand (T>C on the coding strand, the complement: COL12A1 is on the minus strand). VCF-style: chr6-75194845-A-G. GRCh37 (hg19) VCF-style: chr6-75904561-A-G.
Other names: c.73+7875T>C (NM_080645.3); short protein forms V59A.
Identifiers: ClinVar variation 1389959 (VCV001389959.9), dbSNP rs1770135564, ClinGen allele CA364731836.

ClinVar aggregate classification (germline): Uncertain significance. Review status: criteria provided, multiple submitters, no conflicts (2 of 4 stars). 2 submissions from 2 submitters: Uncertain significance (2). Last evaluated 2025-08-06.

Conditions:
Ullrich congenital muscular dystrophy 2 (UCMD2). Identifiers: Orphanet 75840, MedGen C4225314, MONDO:0014654, OMIM 616470.
Bethlem myopathy 2 (BTHLM2). Identifiers: Orphanet 536516, Orphanet 610, MedGen C4225313, MONDO:0034022, OMIM 616471.

Allele frequency attached by ClinVar (database versions not stated): gnomAD exomes 0.00001.
gnomAD v4.1: 12 of 1,609,274 alleles (0.00075%); highest among the groups gnomAD compares: Non-Finnish European, 0.001%; no homozygotes.

Submissions (2):

Labcorp Genetics (formerly Invitae), Labcorp
Classification: Uncertain significance for Bethlem myopathy 2; Ullrich congenital muscular dystrophy 2. Last evaluated: 2025-08-06. Review status: criteria provided, single submitter. Criteria: Invitae Variant Classification Sherloc (09022015). Collection method: clinical testing. Allele origin: germline.
Comment: This sequence change replaces valine, which is neutral and non-polar, with alanine, which is neutral and non-polar, at codon 59 of the COL12A1 protein (p.Val59Ala). This variant is not present in population databases (gnomAD no frequency). This variant has not been reported in the literature in individuals affected with COL12A1-related conditions. ClinVar contains an entry for this variant (Variation ID: 1389959). Invitae Evidence Modeling of protein sequence and biophysical properties (such as structural, functional, and spatial information, amino acid conservation, physicochemical variation, residue mobility, and thermodynamic stability) has been performed for this missense variant. However, the output from this modeling did not meet the statistical confidence thresholds required to predict the impact of this variant on COL12A1 protein function. In summary, the available evidence is currently insufficient to determine the role of this variant in disease. Therefore, it has been classified as a Variant of Uncertain Significance.

Blueprint Genetics
Classification: Uncertain significance. Last evaluated: 2023-01-23. Review status: criteria provided, single submitter. Criteria: ACMG Guidelines, 2015. Collection method: clinical testing. Allele origin: germline.